The following is an entry in ClinVar:

ClinVar aggregate classification (germline): Uncertain significance. Review status: criteria provided, multiple submitters, no conflicts (2 of 4 stars). 3 submissions from 3 submitters: Uncertain significance (2). 1 of the submissions does not count toward it. Last evaluated 2023-06-24.

Conditions:
Duchenne muscular dystrophy (DMD). Also called: MUSCULAR DYSTROPHY, PSEUDOHYPERTROPHIC PROGRESSIVE, DUCHENNE TYPE; Duchenne Muscular Dystrophy (DMD). Identifiers: Orphanet 98896, MedGen C0013264, MONDO:0010679, OMIM 310200.
Dystrophin deficiency.
Becker muscular dystrophy (BMD). Also called: MUSCULAR DYSTROPHY, PSEUDOHYPERTROPHIC PROGRESSIVE, BECKER TYPE; Becker Muscular Dystrophy (BMD). Identifiers: Orphanet 98895, MedGen C0917713, MONDO:0010311, OMIM 300376.
Cardiomyopathy (CMYO). Also called: Cardiomyopathies. Identifiers: Orphanet 167848, MedGen C0878544, MONDO:0004994, HP:0001638. Inheritance: Various modes of inheritance.

gnomAD v4.1: 3 of 1,208,526 alleles (0.00025%); highest among the groups gnomAD compares: Non-Finnish European, 0.00034%; no homozygotes.

Submissions (3):

Labcorp Genetics (formerly Invitae), Labcorp
Classification: Uncertain significance for Duchenne muscular dystrophy. Last evaluated: 2023-06-24. Review status: criteria provided, single submitter. Criteria: Invitae Variant Classification Sherloc (09022015). Collection method: clinical testing. Allele origin: germline.
Comment: This sequence change replaces alanine, which is neutral and non-polar, with threonine, which is neutral and polar, at codon 437 of the DMD protein (p.Ala437Thr). This variant is not present in population databases (gnomAD no frequency). This variant has not been reported in the literature in individuals affected with DMD-related conditions. ClinVar contains an entry for this variant (Variation ID: 994870). Advanced modeling of protein sequence and biophysical properties (such as structural, functional, and spatial information, amino acid conservation, physicochemical variation, residue mobility, and thermodynamic stability) performed at Invitae indicates that this missense variant is not expected to disrupt DMD protein function. In summary, the available evidence is currently insufficient to determine the role of this variant in disease. Therefore, it has been classified as a Variant of Uncertain Significance.

Athena Diagnostics
Classification: Uncertain significance. Last evaluated: 2019-10-30. Review status: criteria provided, single submitter. Criteria: Athena Diagnostics Criteria. Collection method: clinical testing. Allele origin: unknown.

Natera, Inc.
Classification: Uncertain significance for Becker muscular dystrophy; Cardiomyopathy; Duchenne muscular dystrophy; Dystrophin deficiency. Last evaluated: 2018-10-18. Review status: no assertion criteria provided. Collection method: clinical testing. Allele origin: germline. Not counted in ClinVar's aggregate classification.

NM_004006.3(DMD):c.1309G>A (p.Ala437Thr)

Gene: DMD (dystrophin; minus strand). Cytogenetic location: Xp21.1.
Variant type: single nucleotide variant.
Coding change: c.1309G>A on transcript NM_004006.3 (MANE Select); coding-DNA position 1309, G replaced by A.
Protein change: p.Ala437Thr; replaces alanine 437 with threonine.
Molecular consequence: missense variant.
Genome position (GRCh38, 1-based): chrX:32,644,154, C>T on the plus strand (G>A on the coding strand, the complement: DMD is on the minus strand). VCF-style: chrX-32644154-C-T. GRCh37 (hg19) VCF-style: chrX-32662271-C-T.
Other names: c.1285G>A, p.Ala429Thr (NM_000109.4); c.1297G>A, p.Ala433Thr (NM_004009.3); c.940G>A, p.Ala314Thr (NM_004010.3); short protein forms A314T, A429T, A433T, A437T.
Identifiers: ClinVar variation 994870 (VCV000994870.5), dbSNP rs748964279, ClinGen allele CA412660870.